The following is an entry in ClinVar:

NM_001165963.4(SCN1A):c.3551-12_3551-11delinsGC

Genes: SCN1A (sodium voltage-gated channel alpha subunit 1; minus strand), LOC102724058 (uncharacterized LOC102724058; plus strand). Cytogenetic location: 2q24.3.
Variant type: Indel.
Coding change: c.3551-12_3551-11delinsGC on transcript NM_001165963.4 (MANE Select); 12 bases into the intron before coding-DNA position 3551 through 11 bases into the intron before coding-DNA position 3551, CA replaced by GC.
Molecular consequence: intron variant.
Genome position (GRCh38, 1-based): chr2:166,013,909-166,013,910, TG replaced by GC on the plus strand (CA replaced by GC on the coding strand, the reverse complement: SCN1A is on the minus strand). VCF-style: chr2-166013909-TG-GC. GRCh37 (hg19) VCF-style: chr2-166870419-TG-GC.
Other names: c.3518-12_3518-11delinsGC (NM_001353949.2, NM_001353950.2, NM_001353951.2 and 2 more transcripts); c.3467-12_3467-11delinsGC (NM_001353958.2, NM_001353957.2, NM_001165964.3); c.3551-12_3551-11delinsGC (NM_001202435.3, NM_001353948.2); c.3515-12_3515-11delinsGC (NM_001353955.2, NM_001353954.2); c.3464-12_3464-11delinsGC (NM_001353960.2); c.1109-12_1109-11delinsGC (NM_001353961.2).
Identifiers: ClinVar variation 1303559 (VCV001303559.3), dbSNP rs2105612181, ClinGen allele CA2573051707.
Genomic context (GRCh38, chr2:166,013,909, plus strand): 5'-TCTGCCTTCTTCCACATTGATTTGACAACACTTGAATCTTTGTACACAGCCTGCAGAAAG[TG>GC]TTGAAATAAAAGTAGATAAAGTGTCTCTGCTTCCATAATATCCTTTAGCAATGTCCTTGT-3'

ClinVar aggregate classification (germline): Uncertain significance (1 of 4 stars; one submission).

Submission:

GeneDx
Classification: Uncertain significance. Last evaluated: 2022-08-09. Review status: criteria provided, single submitter. Criteria: GeneDx Variant Classification Process June 2021. Collection method: clinical testing. Allele origin: germline. Affected: yes.
Comment: Not observed in large population cohorts (gnomAD); Has not been previously published as pathogenic or benign to our knowledge; In silico analysis, which includes splice predictors and evolutionary conservation, suggests this variant may impact gene splicing. In the absence of RNA/functional studies, the actual effect of this sequence change is unknown.